The following is an entry in ClinVar:

ClinVar aggregate classification (germline): Uncertain significance (1 of 4 stars; one submission).

Conditions:
Colorectal cancer, hereditary nonpolyposis, type 7. Identifiers: Orphanet 144, MedGen C1858380, MONDO:0013725, OMIM 614385.

Allele frequency attached by ClinVar (database versions not stated): gnomAD exomes below 0.00001; ExAC 0.00001.

Submission:

Labcorp Genetics (formerly Invitae), Labcorp
Classification: Uncertain significance for Colorectal cancer, hereditary nonpolyposis, type 7. Last evaluated: 2024-07-29. Review status: criteria provided, single submitter. Criteria: Invitae Variant Classification Sherloc (09022015). Collection method: clinical testing. Allele origin: germline.
Comment: This sequence change replaces serine, which is neutral and polar, with glycine, which is neutral and non-polar, at codon 33 of the MLH3 protein (p.Ser33Gly). This variant is present in population databases (rs770219274, gnomAD 0.003%). This variant has not been reported in the literature in individuals affected with MLH3-related conditions. ClinVar contains an entry for this variant (Variation ID: 1482176). An algorithm developed to predict the effect of missense changes on protein structure and function (PolyPhen-2) suggests that this variant is likely to be disruptive. In summary, the available evidence is currently insufficient to determine the role of this variant in disease. Therefore, it has been classified as a Variant of Uncertain Significance.

NM_001040108.2(MLH3):c.97A>G (p.Ser33Gly)

Gene: MLH3 (mutL homolog 3; minus strand). Cytogenetic location: 14q24.3.
Variant type: single nucleotide variant.
Coding change: c.97A>G on transcript NM_001040108.2 (MANE Select); coding-DNA position 97, A replaced by G.
Protein change: p.Ser33Gly; replaces serine 33 with glycine.
Molecular consequence: missense variant.
Genome position (GRCh38, 1-based): chr14:75,049,559, T>C on the plus strand (A>G on the coding strand, the complement: MLH3 is on the minus strand). VCF-style: chr14-75049559-T-C. GRCh37 (hg19) VCF-style: chr14-75516262-T-C.
Other names: c.97A>G, p.Ser33Gly (NM_014381.3); short protein forms S33G.
Identifiers: ClinVar variation 1482176 (VCV001482176.8), dbSNP rs770219274, ClinGen allele CA7276096.